The following is an entry in ClinVar:

NM_000243.3(MEFV):c.497C>T (p.Ser166Leu)

Gene: MEFV (MEFV innate immunity regulator, pyrin; minus strand). Cytogenetic location: 16p13.3.
Variant type: single nucleotide variant.
Coding change: c.497C>T on transcript NM_000243.3 (MANE Select); coding-DNA position 497, C replaced by T.
Protein change: p.Ser166Leu; replaces serine 166 with leucine.
Molecular consequence: missense variant. On other transcripts: intron variant (1).
Genome position (GRCh38, 1-based): chr16:3,254,571, G>A on the plus strand (C>T on the coding strand, the complement: MEFV is on the minus strand). VCF-style: chr16-3254571-G-A. GRCh37 (hg19) VCF-style: chr16-3304571-G-A.
Other names: c.277+1740C>T (NM_001198536.2); short protein forms S166L.
Identifiers: ClinVar variation 966080 (VCV000966080.11), dbSNP rs766670643, ClinGen allele CA7860417.

ClinVar aggregate classification (germline): Conflicting classifications of pathogenicity. Review status: criteria provided, conflicting classifications (1 of 4 stars). 9 submissions from 7 submitters: Uncertain significance (5); Likely benign (2). 2 of the submissions do not count toward it. Last evaluated 2024-01-12.

Conditions:
Familial Mediterranean fever (FMF). Also called: Periodic peritonitis; Benign paroxysmal peritonitis; POLYSEROSITIS, FAMILIAL PAROXYSMAL; POLYSEROSITIS, RECURRENT. Identifiers: Orphanet 342, MedGen C0031069, MONDO:0018088, OMIM 249100. Disease mechanism: gain of function.
Familial Mediterranean fever, autosomal dominant. Also called: FMF, AUTOSOMAL DOMINANT; Dominant Familial Mediterranean Fever. Identifiers: Orphanet 342, MedGen C1851347, MONDO:0007601, OMIM 134610.
Acute febrile neutrophilic dermatosis (AFND). Also called: Sweet Syndrome; Gomm Button disease. Identifiers: Orphanet 3243, MedGen C0085077, MONDO:0011959, OMIM 608068.

Allele frequency attached by ClinVar (database versions not stated): gnomAD below 0.00001 and 0.00001; gnomAD exomes 0.00003 and 0.00010; ExAC 0.00029.
gnomAD v4.1: 48 of 1,576,640 alleles (0.003%); highest among the groups gnomAD compares: South Asian, 0.05%; no homozygotes.

Submissions (9):

Blueprint Genetics
Classification: Uncertain significance. Last evaluated: 2024-01-12. Review status: criteria provided, single submitter. Criteria: ACMG Guidelines, 2015. Collection method: clinical testing. Allele origin: germline.

GeneDx
Classification: Uncertain significance. Last evaluated: 2023-10-02. Review status: criteria provided, single submitter. Criteria: GeneDx Variant Classification Process June 2021. Collection method: clinical testing. Allele origin: germline. Affected: yes.
Comment: In silico analysis supports that this missense variant does not alter protein structure/function; This variant is associated with the following publications: (PMID: 26247045, 31989427)

Genome-Nilou Lab
Classification: Uncertain significance for Familial Mediterranean fever. Last evaluated: 2023-02-08. Review status: criteria provided, single submitter. Criteria: ACMG Guidelines, 2015. Collection method: clinical testing. Allele origin: germline.

Genome-Nilou Lab
Classification: Likely benign for Familial Mediterranean fever, autosomal dominant. Last evaluated: 2023-02-08. Review status: criteria provided, single submitter. Criteria: ACMG Guidelines, 2015. Collection method: clinical testing. Allele origin: germline.

Genome-Nilou Lab
Classification: Likely benign for Acute febrile neutrophilic dermatosis. Last evaluated: 2023-02-08. Review status: criteria provided, single submitter. Criteria: ACMG Guidelines, 2015. Collection method: clinical testing. Allele origin: germline.

Fulgent Genetics
Classification: Uncertain significance for Familial Mediterranean fever, autosomal dominant; Familial Mediterranean fever; Acute febrile neutrophilic dermatosis. Last evaluated: 2022-03-04. Review status: criteria provided, single submitter. Criteria: ACMG Guidelines, 2015. Collection method: clinical testing. Allele origin: unknown.

Labcorp Genetics (formerly Invitae), Labcorp
Classification: Uncertain significance for Familial Mediterranean fever. Last evaluated: 2021-09-01. Review status: criteria provided, single submitter. Criteria: Invitae Variant Classification Sherloc (09022015). Collection method: clinical testing. Allele origin: germline.
Comment: This sequence change replaces serine with leucine at codon 166 of the MEFV protein (p.Ser166Leu). The serine residue is weakly conserved and there is a large physicochemical difference between serine and leucine. This variant is present in population databases (rs766670643, ExAC 0.09%). This missense change has been observed in individual(s) with familial Mediterranean fever (PMID: 31989427). Algorithms developed to predict the effect of missense changes on protein structure and function output the following: SIFT: "Tolerated"; PolyPhen-2: "Benign"; Align-GVGD: "Class C0". The leucine amino acid residue is found in multiple mammalian species, which suggests that this missense change does not adversely affect protein function. In summary, the available evidence is currently insufficient to determine the role of this variant in disease. Therefore, it has been classified as a Variant of Uncertain Significance.

Molecular Genetics Laboratory, BC Children's and BC Women's Hospitals
Classification: Uncertain significance for Familial Mediterranean fever. Last evaluated: 2020-08-14. Review status: no assertion criteria provided. Criteria: ACMG Guidelines, 2015. Collection method: clinical testing. Allele origin: germline. Affected: yes. Not counted in ClinVar's aggregate classification.

Natera, Inc.
Classification: Uncertain significance for Familial Mediterranean fever. Last evaluated: 2020-01-28. Review status: no assertion criteria provided. Collection method: clinical testing. Allele origin: germline. Not counted in ClinVar's aggregate classification.

Literature cited by the submitters: PubMed 31989427 (cited by Labcorp Genetics (formerly Invitae), Labcorp).